The following is an entry in ClinVar:

NM_148919.4(PSMB8):c.695T>C (p.Ile232Thr)

Gene: PSMB8 (proteasome 20S subunit beta 8; minus strand). Cytogenetic location: 6p21.32.
Variant type: single nucleotide variant.
Coding change: c.695T>C on transcript NM_148919.4 (MANE Select); coding-DNA position 695, T replaced by C.
Protein change: p.Ile232Thr; replaces isoleucine 232 with threonine.
Molecular consequence: missense variant.
Genome position (GRCh38, 1-based): chr6:32,841,578, A>G on the plus strand (T>C on the coding strand, the complement: PSMB8 is on the minus strand). VCF-style: chr6-32841578-A-G. GRCh37 (hg19) VCF-style: chr6-32809355-A-G.
Other names: c.683T>C, p.Ile228Thr (LRG_1328t2, NM_004159.5); c.695T>C, p.Ile232Thr (LRG_1328t1); short protein forms I228T, I232T.
Identifiers: ClinVar variation 664917 (VCV000664917.6), dbSNP rs767937121, ClinGen allele CA3746313.

ClinVar aggregate classification (germline): Uncertain significance (1 of 4 stars; one submission).

Conditions:
Proteasome-associated autoinflammatory syndrome 1 (PRAAS1). Also called: JOINT CONTRACTURES, MUSCULAR ATROPHY, MICROCYTIC ANEMIA, AND PANNICULITIS-INDUCED LIPODYSTROPHY; JMP SYNDROME; AUTOINFLAMMATION, LIPODYSTROPHY, AND DERMATOSIS SYNDROME; NAKAJO-NISHIMURA SYNDROME; CHRONIC ATYPICAL NEUTROPHILIC DERMATOSIS WITH LIPODYSTROPHY AND ELEVATED TEMPERATURE SYNDROME; Nakajo syndrome. Identifiers: Orphanet 2615, Orphanet 324977, Orphanet 324999, Orphanet 325004, MedGen C4746851, MONDO:0054698, OMIM 256040.

Allele frequency attached by ClinVar (database versions not stated): ExAC 0.00001; gnomAD exomes 0.00001.
gnomAD v4.1: 20 of 1,613,006 alleles (0.0012%); highest among the groups gnomAD compares: South Asian, 0.0033%; no homozygotes.

Submission:

Labcorp Genetics (formerly Invitae), Labcorp
Classification: Uncertain significance for Proteosome-associated autoinflammatory syndrome. Last evaluated: 2022-06-19. Review status: criteria provided, single submitter. Criteria: Invitae Variant Classification Sherloc (09022015). Collection method: clinical testing. Allele origin: germline.
Comment: This sequence change replaces isoleucine, which is neutral and non-polar, with threonine, which is neutral and polar, at codon 232 of the PSMB8 protein (p.Ile232Thr). This variant is present in population databases (rs767937121, gnomAD 0.004%). This variant has not been reported in the literature in individuals affected with PSMB8-related conditions. ClinVar contains an entry for this variant (Variation ID: 664917). Algorithms developed to predict the effect of missense changes on protein structure and function (SIFT, PolyPhen-2, Align-GVGD) all suggest that this variant is likely to be disruptive. In summary, the available evidence is currently insufficient to determine the role of this variant in disease. Therefore, it has been classified as a Variant of Uncertain Significance.